The following is an entry in ClinVar:

NM_144687.4(NLRP12):c.3065T>G (p.Leu1022Arg)

Gene: NLRP12 (NLR family pyrin domain containing 12; minus strand). Cytogenetic location: 19q13.42.
Variant type: single nucleotide variant.
Coding change: c.3065T>G on transcript NM_144687.4 (MANE Select); coding-DNA position 3065, T replaced by G.
Protein change: p.Leu1022Arg; replaces leucine 1022 with arginine.
Molecular consequence: missense variant.
Genome position (GRCh38, 1-based): chr19:53,795,892, A>C on the plus strand (T>G on the coding strand, the complement: NLRP12 is on the minus strand). VCF-style: chr19-53795892-A-C. GRCh37 (hg19) VCF-style: chr19-54299146-A-C.
Other names: c.3068T>G, p.Leu1023Arg (NM_001277126.2); c.2894T>G, p.Leu965Arg (NM_001277129.1); short protein forms L1022R, L1023R, L965R.
Identifiers: ClinVar variation 808636 (VCV000808636.45), dbSNP rs1568654178, ClinGen allele CA407407403.

ClinVar aggregate classification (germline): Uncertain significance. Review status: criteria provided, multiple submitters, no conflicts (2 of 4 stars). 2 submissions from 2 submitters: Uncertain significance (2). Last evaluated 2023-08-17.

Conditions:
Familial cold autoinflammatory syndrome 2 (FCAS2). Identifiers: Orphanet 247868, MedGen C2673198, MONDO:0012724, OMIM 611762.

Allele frequency attached by ClinVar (database versions not stated): gnomAD exomes below 0.00001.
gnomAD v4.1: 1 of 1,614,168 alleles (0.000062%); highest among the groups gnomAD compares: Non-Finnish European, 0.000085%; no homozygotes.

Submissions (2):

Labcorp Genetics (formerly Invitae), Labcorp
Classification: Uncertain significance for Familial cold autoinflammatory syndrome 2. Last evaluated: 2023-08-17. Review status: criteria provided, single submitter. Criteria: Invitae Variant Classification Sherloc (09022015). Collection method: clinical testing. Allele origin: germline.
Comment: This variant has not been reported in the literature in individuals affected with NLRP12-related conditions. This variant is not present in population databases (gnomAD no frequency). This sequence change replaces leucine, which is neutral and non-polar, with arginine, which is basic and polar, at codon 1022 of the NLRP12 protein (p.Leu1022Arg). ClinVar contains an entry for this variant (Variation ID: 808636). In summary, the available evidence is currently insufficient to determine the role of this variant in disease. Therefore, it has been classified as a Variant of Uncertain Significance. Experimental studies and prediction algorithms are not available or were not evaluated, and the functional significance of this variant is currently unknown.

CeGaT Center for Human Genetics Tuebingen
Classification: Uncertain significance. Last evaluated: 2019-04-01. Review status: criteria provided, single submitter. Criteria: CeGaT Center For Human Genetics Tuebingen Variant Classification Criteria Version 2. Collection method: clinical testing. Allele origin: germline. Affected: yes. Observed: 1 variant allele.